The following is an entry in ClinVar:

ClinVar aggregate classification (germline): Benign. Review status: reviewed by expert panel (3 of 4 stars). 18 submissions from 18 submitters: Benign (1). 17 of the submissions do not count toward it. Last evaluated 2025-01-08.

Conditions:
Autosomal recessive limb-girdle muscular dystrophy. Identifiers: Orphanet 102015, MedGen C2931907, MONDO:0015152.
Neuromuscular disease caused by qualitative or quantitative defects of dysferlin. Also called: Qualitative or quantitative defects of dysferlin; Dysferlinopathy. Identifiers: Orphanet 207073, MedGen C2931687, MONDO:0016145.
Autosomal recessive limb-girdle muscular dystrophy type 2B (LGMDR2). Also called: MUSCULAR DYSTROPHY, LIMB-GIRDLE, TYPE 3; Limb-Girdle Muscular Dystrophy Type 2B (LGMD2B); MUSCULAR DYSTROPHY, LIMB-GIRDLE, AUTOSOMAL RECESSIVE 2; Limb-girdle muscular dystrophy, type 2B. Identifiers: Orphanet 268, MedGen C1850889, MONDO:0009676, OMIM 253601.

Allele frequency attached by ClinVar (database versions not stated): gnomAD exomes 0.02108 and 0.01840; TOPMed 0.02260; 1000 Genomes Project 0.01378; 1000 Genomes Project 30x 0.01421; ESP Exome Variant Server 0.02361; gnomAD 0.02488 and 0.02614; ExAC 0.02026.
gnomAD v4.1: 34,340 of 1,614,056 alleles (2.1%); highest among the groups gnomAD compares: African/African-American, 3.5%; 446 homozygotes.

Submissions (18):

ClinGen Limb Girdle Muscular Dystrophy Variant Curation Expert Panel, ClinGen
Classification: Benign for Autosomal recessive limb-girdle muscular dystrophy. Last evaluated: 2025-01-08. Review status: reviewed by expert panel. Criteria: ClinGen LGMD VCEP ACMG Specifications DYSF V1.0.0. Collection method: curation. Allele origin: germline. Inheritance: Autosomal recessive inheritance.
Comment: The NM_003494.4: c.3065G>A variant in DYSF, which is also known as NM_001130987.2: c.3119G>A p.(Arg1040Gln), is a missense variant predicted to cause substitution of arginine by glutamine at amino acid 1022 (p.Arg1022Gln). The filtering allele frequency of the variant is 0.03338 for African/African American genome chromosomes in gnomAD v3.1.2 (the lower threshold of the 95% CI of 3745/152196), which is higher than the VCEP threshold of 0.003 (BA1). The SpliceAI score for this variant is 0.02, suggesting it does not impact splicing. However, the computational predictor REVEL gives a score of 0.39, which is above the LGMD VCEP threshold predicting a benign impact on DYSF function (≤0.1; BP4 not met). In summary, this variant meets the criteria to be classified as Benign for autosomal recessive limb girdle muscular dystrophy based on the ACMG/AMP criteria applied, as specified by the ClinGen LGMD VCEP (LGMD VCEP specifications version 1.0.0; 01/08/2025): BA1.

CeGaT Center for Human Genetics Tuebingen
Classification: Benign. Last evaluated: 2026-09-01. Review status: criteria provided, single submitter. Criteria: CeGaT Center For Human Genetics Tuebingen Variant Classification Criteria Version 2. Collection method: clinical testing. Allele origin: germline. Affected: yes. Observed: 58 variant alleles. Not counted in ClinVar's aggregate classification.
Comment: DYSF: PM5, BP4, BS1, BS2

Labcorp Genetics (formerly Invitae), Labcorp
Classification: Benign for Neuromuscular disease caused by qualitative or quantitative defects of dysferlin. Last evaluated: 2026-02-04. Review status: criteria provided, single submitter. Criteria: Invitae Variant Classification Sherloc (09022015). Collection method: clinical testing. Allele origin: germline. Not counted in ClinVar's aggregate classification.

Athena Diagnostics
Classification: Benign. Last evaluated: 2025-02-24. Review status: criteria provided, single submitter. Criteria: Athena Diagnostics Criteria. Collection method: clinical testing. Allele origin: unknown. Not counted in ClinVar's aggregate classification.
Comment: The frequency of this variant in the general population is higher than would generally be expected for pathogenic variants in this gene.

Blueprint Genetics
Classification: Likely benign. Last evaluated: 2024-11-26. Review status: criteria provided, single submitter. Criteria: ACMG Guidelines, 2015. Collection method: clinical testing. Allele origin: germline. Not counted in ClinVar's aggregate classification.

Women's Health and Genetics/Laboratory Corporation of America, LabCorp
Classification: Likely benign. Last evaluated: 2021-12-10. Review status: criteria provided, single submitter. Criteria: LabCorp Variant Classification Summary - May 2015. Collection method: clinical testing. Allele origin: germline. Not counted in ClinVar's aggregate classification.

Mayo Clinic Laboratories, Mayo Clinic
Classification: Benign. Last evaluated: 2018-01-04. Review status: criteria provided, single submitter. Criteria: ACMG Guidelines, 2015. Collection method: clinical testing. Allele origin: germline. Observed: 46 variant alleles. Not counted in ClinVar's aggregate classification.

Illumina Laboratory Services, Illumina
Classification: Likely benign for Qualitative or quantitative defects of dysferlin. Last evaluated: 2017-04-27. Review status: criteria provided, single submitter. Criteria: ICSL Variant Classification Criteria 13 December 2019. Collection method: clinical testing. Allele origin: germline. Not counted in ClinVar's aggregate classification.
Comment: This variant was observed as part of a predisposition screen in an ostensibly healthy population. A literature search was performed for the gene, cDNA change, and amino acid change (where applicable). No publications were found based on this search. Allele frequency data from public databases allowed determination this variant is unlikely to cause disease. Therefore, this variant is classified as likely benign.

GeneDx
Classification: Benign. Last evaluated: 2016-01-18. Review status: criteria provided, single submitter. Criteria: GeneDx Variant Classification (06012015). Collection method: clinical testing. Allele origin: germline. Affected: yes. Not counted in ClinVar's aggregate classification.
Comment: This variant is considered likely benign or benign based on one or more of the following criteria: it is a conservative change, it occurs at a poorly conserved position in the protein, it is predicted to be benign by multiple in silico algorithms, and/or has population frequency not consistent with disease.

Eurofins Ntd Llc (ga)
Classification: Benign. Last evaluated: 2012-07-12. Review status: criteria provided, single submitter. Criteria: EGL Classification Definitions 2015. Collection method: clinical testing. Allele origin: germline. Observed: 9 variant alleles, 7 heterozygotes, 2 homozygotes. Not counted in ClinVar's aggregate classification.

Breakthrough Genomics
Classification: Likely benign. Review status: criteria provided, single submitter. Criteria: ACMG Guidelines, 2015. Collection method: not provided. Allele origin: germline. Inheritance: Autosomal recessive inheritance. Affected: yes. Not counted in ClinVar's aggregate classification.

PreventionGenetics, part of Exact Sciences
Classification: Benign. Review status: criteria provided, single submitter. Criteria: ACMG Guidelines, 2015. Collection method: clinical testing. Allele origin: germline. Not counted in ClinVar's aggregate classification.

Natera, Inc.
Classification: Benign for Limb-girdle muscular dystrophy type 2B. Last evaluated: 2020-09-16. Review status: no assertion criteria provided. Collection method: clinical testing. Allele origin: germline. Not counted in ClinVar's aggregate classification.

Clinical Genetics, Academic Medical Center
Classification: Likely benign. Review status: no assertion criteria provided. Collection method: clinical testing. Allele origin: germline. Affected: yes. Study: VKGL Data-share Consensus. Not counted in ClinVar's aggregate classification.

Diagnostic Laboratory, Department of Genetics, University Medical Center Groningen
Classification: Benign. Review status: no assertion criteria provided. Collection method: clinical testing. Allele origin: germline. Affected: yes. Study: VKGL Data-share Consensus. Not counted in ClinVar's aggregate classification.

Genetic Services Laboratory, University of Chicago
Classification: Likely benign for AllHighlyPenetrant. Review status: no assertion criteria provided. Collection method: clinical testing. Allele origin: germline. Inheritance: Autosomal recessive inheritance. Not counted in ClinVar's aggregate classification.
Comment: Likely benign based on allele frequency in 1000 Genomes Project or ESP global frequency and its presence in a patient with a rare or unrelated disease phenotype. NOT Sanger confirmed.

Genome Diagnostics Laboratory, University Medical Center Utrecht
Classification: Likely benign. Review status: no assertion criteria provided. Collection method: clinical testing. Allele origin: germline. Affected: yes. Study: VKGL Data-share Consensus. Not counted in ClinVar's aggregate classification.

Laboratory of Diagnostic Genome Analysis, Leiden University Medical Center (LUMC)
Classification: Likely benign. Review status: no assertion criteria provided. Collection method: clinical testing. Allele origin: germline. Affected: yes. Study: VKGL Data-share Consensus. Not counted in ClinVar's aggregate classification.

Literature cited by the submitters: PubMed 18853459 (cited by Athena Diagnostics); PubMed 20981092 (cited by Athena Diagnostics); PubMed 22995991 (cited by Athena Diagnostics); PubMed 14678801 (cited by Athena Diagnostics); PubMed 22517428 (cited by Athena Diagnostics); PubMed 15469449 (cited by Athena Diagnostics); PubMed 20544924 (cited by Athena Diagnostics); PubMed 31517061 (cited by Athena Diagnostics); PubMed 31862442 (cited by Athena Diagnostics).

NM_001130987.2(DYSF):c.3119G>A (p.Arg1040Gln)

Gene: DYSF (dysferlin; plus strand). Cytogenetic location: 2p13.2.
Variant type: single nucleotide variant.
Coding change: c.3119G>A on transcript NM_001130987.2 (MANE Select); coding-DNA position 3119, G replaced by A.
Protein change: p.Arg1040Gln; replaces arginine 1040 with glutamine.
Molecular consequence: missense variant.
Genome position (GRCh38, 1-based): chr2:71,570,632, G>A. VCF-style: chr2-71570632-G-A. GRCh37 (hg19) VCF-style: chr2-71797762-G-A.
Other names: NM_001130987.2(DYSF):c.3119G>A; p.Arg1040Gln; c.3068G>A, p.Arg1023Gln (NM_001130455.2, NM_001130983.2); c.3023G>A, p.Arg1008Gln (NM_001130976.2, NM_001130977.2); c.3065G>A, p.Arg1022Gln (NM_001130978.2, NM_003494.4); c.3158G>A, p.Arg1053Gln (NM_001130979.2); c.3116G>A, p.Arg1039Gln (NM_001130980.2, NM_001130981.2); c.3161G>A, p.Arg1054Gln (NM_001130982.2); and 2 more; short protein forms R1022Q, R1040Q, R1023Q, R1053Q, R1054Q, R1008Q, R1009Q, R1039Q.
Identifiers: ClinVar variation 94300 (VCV000094300.59), dbSNP rs34211915, ClinGen allele CA147743.